The following is an entry in ClinVar:

ClinVar aggregate classification (germline): Uncertain significance (1 of 4 stars; one submission).

Conditions:
Charcot-Marie-Tooth disease type 4. Also called: Charcot-Marie-Tooth disease, type IV; Charcot-Marie-Tooth, Type 4. Identifiers: Orphanet 64749, MedGen C4082197, MONDO:0018995.

Submission:

Labcorp Genetics (formerly Invitae), Labcorp
Classification: Uncertain significance for Charcot-Marie-Tooth disease type 4. Last evaluated: 2022-07-06. Review status: criteria provided, single submitter. Criteria: Invitae Variant Classification Sherloc (09022015). Collection method: clinical testing. Allele origin: germline.
Comment: This sequence change replaces glycine, which is neutral and non-polar, with alanine, which is neutral and non-polar, at codon 398 of the SH3TC2 protein (p.Gly398Ala). Information on the frequency of this variant in the gnomAD database is not available, as this variant may be reported differently in the database. This variant has not been reported in the literature in individuals affected with SH3TC2-related conditions. ClinVar contains an entry for this variant (Variation ID: 1524430). Algorithms developed to predict the effect of missense changes on protein structure and function are either unavailable or do not agree on the potential impact of this missense change (SIFT: "Not Available"; PolyPhen-2: "Benign"; Align-GVGD: "Not Available"). In summary, the available evidence is currently insufficient to determine the role of this variant in disease. Therefore, it has been classified as a Variant of Uncertain Significance.

NM_024577.4(SH3TC2):c.1193_1194delinsCC (p.Gly398Ala)

Gene: SH3TC2 (SH3 domain and tetratricopeptide repeats 2; minus strand). Cytogenetic location: 5q32.
Variant type: Indel.
Coding change: c.1193_1194delinsCC on transcript NM_024577.4 (MANE Select); coding-DNA positions 1193 to 1194, GT replaced by CC.
Protein change: p.Gly398Ala; replaces glycine 398 with alanine.
Molecular consequence: missense variant.
Genome position (GRCh38, 1-based): chr5:149,028,538-149,028,539, AC replaced by GG on the plus strand (GT replaced by CC on the coding strand, the reverse complement: SH3TC2 is on the minus strand). VCF-style: chr5-149028538-AC-GG. GRCh37 (hg19) VCF-style: chr5-148408101-AC-GG.
Other names: short protein forms G398A.
Identifiers: ClinVar variation 1524430 (VCV001524430.8), dbSNP rs2127397715, ClinGen allele CA2573139258.